The following is an entry in ClinVar:

ClinVar aggregate classification (germline): Conflicting classifications of pathogenicity. Review status: criteria provided, conflicting classifications (1 of 4 stars). 2 submissions from 2 submitters: Uncertain significance (1); Likely benign (1). Last evaluated 2025-07-31.

Conditions:
Hereditary cancer-predisposing syndrome. Also called: Neoplastic Syndromes, Hereditary; Tumor predisposition; Hereditary Cancer Syndrome; Hereditary neoplastic syndrome. Identifiers: Orphanet 140162, MedGen C0027672, MeSH D009386, MONDO:0015356.
Hereditary nonpolyposis colorectal neoplasms. Identifiers: MedGen C0009405, MeSH D003123.

gnomAD v4.1: 2 of 1,559,896 alleles (0.00013%); highest among the groups gnomAD compares: Non-Finnish European, 0.00018%; no homozygotes.

Submissions (2):

Labcorp Genetics (formerly Invitae), Labcorp
Classification: Likely benign for Hereditary nonpolyposis colorectal neoplasms. Last evaluated: 2025-07-31. Review status: criteria provided, single submitter. Criteria: Invitae Variant Classification Sherloc (09022015). Collection method: clinical testing. Allele origin: germline.

Color Diagnostics, LLC DBA Color Health
Classification: Uncertain significance for Hereditary cancer-predisposing syndrome. Last evaluated: 2023-05-23. Review status: criteria provided, single submitter. Criteria: ACMG Guidelines, 2015. Collection method: clinical testing. Allele origin: germline.
Comment: This variant causes a T to G nucleotide substitution at the -13 position of intron 7 of the PMS2 gene. To our knowledge, functional studies have not been reported for this variant. This variant has not been reported in individuals affected with PMS2-related disorders in the literature. This variant has not been identified in the general population by the Genome Aggregation Database (gnomAD). The available evidence is insufficient to determine the role of this variant in disease conclusively. Therefore, this variant is classified as a Variant of Uncertain Significance.

NM_000535.7(PMS2):c.804-13T>G

Gene: PMS2 (PMS1 homolog 2, mismatch repair system component; minus strand). Cytogenetic location: 7p22.1.
Variant type: single nucleotide variant.
Coding change: c.804-13T>G on transcript NM_000535.7 (MANE Select); 13 bases into the intron before coding-DNA position 804, T replaced by G.
Molecular consequence: intron variant.
Genome position (GRCh38, 1-based): chr7:5,995,646, A>C on the plus strand (T>G on the coding strand, the complement: PMS2 is on the minus strand). VCF-style: chr7-5995646-A-C. GRCh37 (hg19) VCF-style: chr7-6035277-A-C.
Other names: c.399-13T>G (NM_001322003.2, NM_001322009.2, NM_001322005.2 and 2 more transcripts); c.495-13T>G (NM_001322015.2); c.486-13T>G (NM_001322007.2, NM_001322008.2); c.804-13T>G (NM_001322014.2, NM_001322006.2); c.-130-13T>G (NM_001322011.2, NM_001322012.2); c.231-13T>G (NM_001322013.2).
Identifiers: ClinVar variation 924849 (VCV000924849.10), dbSNP rs1562664935, ClinGen allele CA1139659573.